The following is an entry in ClinVar:

NM_001005273.3(CHD3):c.3728-10C>G

Gene: CHD3 (chromodomain helicase DNA binding protein 3; plus strand). Cytogenetic location: 17p13.1.
Variant type: single nucleotide variant.
Coding change: c.3728-10C>G on transcript NM_001005273.3 (MANE Select); 10 bases into the intron before coding-DNA position 3728, C replaced by G.
Molecular consequence: intron variant.
Genome position (GRCh38, 1-based): chr17:7,903,815, C>G. VCF-style: chr17-7903815-C-G. GRCh37 (hg19) VCF-style: chr17-7807133-C-G.
Other names: c.3905-10C>G (NM_001437504.1, NM_001005271.3); c.3893-10C>G (NM_001437509.1, NM_001437507.1, NM_001437508.1); c.3728-10C>G (NM_005852.4).
Identifiers: ClinVar variation 4978900 (VCV004978900.1).

ClinVar aggregate classification (germline): Likely benign (1 of 4 stars; one submission).

Conditions:
CHD3-related disorder. Also called: CHD3-related condition.

Submission:

PreventionGenetics, part of Exact Sciences
Classification: Likely benign for CHD3-related condition. Last evaluated: 2025-04-27. Review status: criteria provided, single submitter. Criteria: ACMG Guidelines, 2015. Collection method: clinical testing. Allele origin: germline.
Comment: This variant is classified as likely benign based on ACMG/AMP sequence variant interpretation guidelines (Richards et al. 2015 PMID: 25741868, with internal and published modifications).